The following is an entry in ClinVar:

NM_015634.4(KIFBP):c.427-268C>T

Gene: KIFBP (kinesin family binding protein; plus strand). Cytogenetic location: 10q22.1.
Variant type: single nucleotide variant.
Coding change: c.427-268C>T on transcript NM_015634.4 (MANE Select); 268 bases into the intron before coding-DNA position 427, C replaced by T.
Molecular consequence: intron variant.
Genome position (GRCh38, 1-based): chr10:69,000,156, C>T. VCF-style: chr10-69000156-C-T. GRCh37 (hg19) VCF-style: chr10-70759912-C-T.
Identifiers: ClinVar variation 671907 (VCV000671907.1), dbSNP rs188524170, ClinGen allele CA15660761.
Genomic context (GRCh38, chr10:69,000,156, plus strand): 5'-TCAAGGGTTTTGTTAACTAATCTTGGAAATGACTTTCCATCACTTCTGTGATAGTCTAGT[C>T]GTGAGAAGCACATCACTAAAACCAGCCTGTACTCAAGGGGAAGAGGTTACCTAAGAGCAT-3'

ClinVar aggregate classification (germline): Benign (1 of 4 stars; one submission).

Allele frequency attached by ClinVar (database versions not stated): 1000 Genomes Project 30x 0.04247; 1000 Genomes Project 0.04513; gnomAD 0.04747 and 0.04796; TOPMed 0.05171.
gnomAD v4.1: 7,274 of 151,860 alleles (4.8%); highest among the groups gnomAD compares: Middle Eastern, 7.9%; 185 homozygotes.

Submission:

GeneDx
Classification: Benign. Last evaluated: 2018-06-19. Review status: criteria provided, single submitter. Criteria: GeneDx Variant Classification (06012015). Collection method: clinical testing. Allele origin: germline. Affected: yes.
Comment: This variant is considered likely benign or benign based on one or more of the following criteria: it is a conservative change, it occurs at a poorly conserved position in the protein, it is predicted to be benign by multiple in silico algorithms, and/or has population frequency not consistent with disease.